The following is an entry in ClinVar:

ClinVar aggregate classification (germline): Uncertain significance. Review status: criteria provided, multiple submitters, no conflicts (2 of 4 stars). 2 submissions from 2 submitters: Uncertain significance (2). Last evaluated 2026-04-08.

gnomAD v4.1: 4 of 1,561,404 alleles (0.00026%); highest among the groups gnomAD compares: South Asian, 0.0012%; no homozygotes.

Submissions (2):

GeneDx
Classification: Uncertain significance. Last evaluated: 2026-04-08. Review status: criteria provided, single submitter. Criteria: GeneDx Variant Classification Process June 2021. Collection method: clinical testing. Allele origin: germline.
Comment: Not observed at significant frequency in large population cohorts (gnomAD); In silico analysis suggests that this missense variant does not alter protein structure/function; Has not been previously published as pathogenic or benign to our knowledge

Blueprint Genetics
Classification: Uncertain significance. Last evaluated: 2021-09-01. Review status: criteria provided, single submitter. Criteria: ACMG Guidelines, 2015. Collection method: clinical testing. Allele origin: germline.

NM_017780.4(CHD7):c.8063T>C (p.Ile2688Thr)

Gene: CHD7 (chromodomain helicase DNA binding protein 7; plus strand). Cytogenetic location: 8q12.2.
Variant type: single nucleotide variant.
Coding change: c.8063T>C on transcript NM_017780.4 (MANE Select); coding-DNA position 8063, T replaced by C.
Protein change: p.Ile2688Thr; replaces isoleucine 2688 with threonine.
Molecular consequence: missense variant.
Genome position (GRCh38, 1-based): chr8:60,862,639, T>C. VCF-style: chr8-60862639-T-C. GRCh37 (hg19) VCF-style: chr8-61775198-T-C.
Other names: c.1916T>C, p.Ile639Thr (NM_001316690.1); short protein forms I639T, I2688T.
Identifiers: ClinVar variation 4900667 (VCV004900667.2).